The following is an entry in ClinVar:

NM_000487.6(ARSA):c.1229C>T (p.Thr410Ile)

Gene: ARSA (arylsulfatase A; minus strand). Cytogenetic location: 22q13.33.
Variant type: single nucleotide variant.
Coding change: c.1229C>T on transcript NM_000487.6 (MANE Select); coding-DNA position 1229, C replaced by T.
Protein change: p.Thr410Ile; replaces threonine 410 with isoleucine.
Molecular consequence: missense variant.
Genome position (GRCh38, 1-based): chr22:50,625,446, G>A on the plus strand (C>T on the coding strand, the complement: ARSA is on the minus strand). VCF-style: chr22-50625446-G-A. GRCh37 (hg19) VCF-style: chr22-51063874-G-A.
Other names: T408I; c.1229C>T, p.Thr410Ile (NM_001085425.3, NM_001085426.3, NM_001085427.3); c.971C>T, p.Thr324Ile (NM_001085428.3, NM_001362782.2); short protein forms T410I, T324I.
Identifiers: ClinVar variation 3092 (VCV000003092.13), dbSNP rs28940895, ClinGen allele CA116009.

ClinVar aggregate classification (germline): Conflicting classifications of pathogenicity. Review status: criteria provided, conflicting classifications (1 of 4 stars). 3 submissions from 3 submitters: Likely pathogenic (1); Uncertain significance (1). 1 of the submissions does not count toward it. Last evaluated 2025-07-03.

Conditions:
Metachromatic leukodystrophy (MLD). Also called: Cerebral sclerosis diffuse metachromatic form; ARSA DEFICIENCY; Arylsulfatase A Deficiency; CEREBROSIDE SULFATASE DEFICIENCY; METACHROMATIC LEUKOENCEPHALOPATHY; SULFATIDE LIPIDOSIS. Identifiers: Orphanet 512, MedGen C0023522, MONDO:0018868, OMIM 250100.
Metachromatic leukodystrophy, adult type. Also called: Metachromatic leukodystrophy, adult form. Identifiers: Orphanet 309271, MedGen C0751279, MONDO:0017730.

Allele frequency attached by ClinVar (database versions not stated): gnomAD exomes below 0.00001; gnomAD 0.00001; TOPMed below 0.00001; ExAC 0.00001.

Submissions (3):

Dasa
Classification: Uncertain significance. Last evaluated: 2025-07-03. Review status: criteria provided, single submitter. Criteria: DASA Assertion Criteria. Collection method: clinical testing. Allele origin: germline.
Comment: NM_000487.6(ARSA):c.1229C>T (p.Thr410Ile) is a missense variant that results in the substitution of threonine with isoleucine. Segregation data support an association with disease in the reported family/families (PMID: 28749476; PMID: 11456299). This variant has been recurrently observed in individuals with ARSA-related disorders (PMID: 28749476; PMID: 11456299). Also, this variant is rare in population databases. Computational prediction algorithms are consistent with a deleterious effect. The currently available literature and clinical evidence are not sufficient to establish a definitive association between this variant and the reported condition. Therefore, this variant is classified as a variant of uncertain significance.

Labcorp Genetics (formerly Invitae), Labcorp
Classification: Likely pathogenic for Metachromatic leukodystrophy. Last evaluated: 2023-11-06. Review status: criteria provided, single submitter. Criteria: Invitae Variant Classification Sherloc (09022015). Collection method: clinical testing. Allele origin: germline.
Comment: This sequence change replaces threonine, which is neutral and polar, with isoleucine, which is neutral and non-polar, at codon 410 of the ARSA protein (p.Thr410Ile). This variant is present in population databases (rs28940895, gnomAD 0.002%). This missense change has been observed in individual(s) with metachromatic leukodystrophy (PMID: 11456299, 28749476). In at least one individual the data is consistent with being in trans (on the opposite chromosome) from a pathogenic variant. It has also been observed to segregate with disease in related individuals. This variant is also known as Thr408Ile. ClinVar contains an entry for this variant (Variation ID: 3092). Advanced modeling of protein sequence and biophysical properties (such as structural, functional, and spatial information, amino acid conservation, physicochemical variation, residue mobility, and thermodynamic stability) has been performed at Invitae for this missense variant, however the output from this modeling did not meet the statistical confidence thresholds required to predict the impact of this variant on ARSA protein function. In summary, the currently available evidence indicates that the variant is pathogenic, but additional data are needed to prove that conclusively. Therefore, this variant has been classified as Likely Pathogenic.

OMIM
Classification: Pathogenic for METACHROMATIC LEUKODYSTROPHY, ADULT. Last evaluated: 2001-07-01. Review status: no assertion criteria provided. Collection method: literature only. Allele origin: germline. Not counted in ClinVar's aggregate classification.

Literature cited by the submitters: PubMed 28749476 (cited by Dasa and Labcorp Genetics (formerly Invitae), Labcorp); PubMed 11456299 (cited by 3 submitters).